The following is an entry in ClinVar:

NM_000293.3(PHKB):c.1126+14T>G

Gene: PHKB (phosphorylase kinase regulatory subunit beta; plus strand). Cytogenetic location: 16q12.1.
Variant type: single nucleotide variant.
Coding change: c.1126+14T>G on transcript NM_000293.3 (MANE Select); 14 bases into the intron after coding-DNA position 1126, T replaced by G.
Molecular consequence: intron variant.
Genome position (GRCh38, 1-based): chr16:47,593,571, T>G. VCF-style: chr16-47593571-T-G. GRCh37 (hg19) VCF-style: chr16-47627482-T-G.
Other names: c.1126+14T>G (NM_001363837.1); c.1105+14T>G (NM_001031835.3).
Identifiers: ClinVar variation 319344 (VCV000319344.15), dbSNP rs28691569, ClinGen allele CA8040704.

ClinVar aggregate classification (germline): Benign/Likely benign. Review status: criteria provided, multiple submitters, no conflicts (2 of 4 stars). 4 submissions from 4 submitters: Benign (3); Likely benign (1). Last evaluated 2026-01-28.

Conditions:
Glycogen storage disease IXb (GSD9B). Also called: GLYCOGENOSIS OF LIVER AND MUSCLE, AUTOSOMAL RECESSIVE; GSD IXb; PHOSPHORYLASE KINASE DEFICIENCY OF LIVER AND MUSCLE, AUTOSOMAL RECESSIVE. Identifiers: Orphanet 79240, MedGen C0543514, MONDO:0009868, OMIM 261750.

Allele frequency attached by ClinVar (database versions not stated): gnomAD exomes 0.00122; ExAC 0.00164; gnomAD 0.00424 and 0.00450; TOPMed 0.00453; ESP Exome Variant Server 0.00523; 1000 Genomes Project 0.00599.
gnomAD v4.1: 1,132 of 1,410,192 alleles (0.08%); highest among the groups gnomAD compares: African/African-American, 1.4%; 9 homozygotes.

Submissions (4):

Labcorp Genetics (formerly Invitae), Labcorp
Classification: Benign for Glycogen storage disease IXb. Last evaluated: 2026-01-28. Review status: criteria provided, single submitter. Criteria: Invitae Variant Classification Sherloc (09022015). Collection method: clinical testing. Allele origin: germline.

ARUP Laboratories, Molecular Genetics and Genomics, ARUP Laboratories
Classification: Benign for Glycogen storage disease IXb. Last evaluated: 2025-06-20. Review status: criteria provided, single submitter. Criteria: ARUP Molecular Germline Variant Investigation Process 2024. Collection method: clinical testing. Allele origin: germline.

Illumina Laboratory Services, Illumina
Classification: Benign for Glycogen storage disease IXb. Last evaluated: 2018-01-13. Review status: criteria provided, single submitter. Criteria: ICSL Variant Classification Criteria 13 December 2019. Collection method: clinical testing. Allele origin: germline.
Comment: This variant was observed in the ICSL laboratory as part of a predisposition screen in an ostensibly healthy population. It had not been previously curated by ICSL or reported in the Human Gene Mutation Database (HGMD: prior to June 1st, 2018), and was therefore a candidate for classification through an automated scoring system. Utilizing variant allele frequency, disease prevalence and penetrance estimates, and inheritance mode, an automated score was calculated to assess if this variant is too frequent to cause the disease. Based on the score and internal cut-off values, a variant classified as benign is not then subjected to further curation. The score for this variant resulted in a classification of benign for this disease.

GeneDx
Classification: Likely benign. Last evaluated: 2017-07-26. Review status: criteria provided, single submitter. Criteria: GeneDx Variant Classification (06012015). Collection method: clinical testing. Allele origin: germline. Affected: yes.
Comment: This variant is considered likely benign or benign based on one or more of the following criteria: it is a conservative change, it occurs at a poorly conserved position in the protein, it is predicted to be benign by multiple in silico algorithms, and/or has population frequency not consistent with disease.